The following is an entry in ClinVar:

NM_024642.5(GALNT12):c.1337T>C (p.Phe446Ser)

Gene: GALNT12 (polypeptide N-acetylgalactosaminyltransferase 12; plus strand). Cytogenetic location: 9q22.33.
Variant type: single nucleotide variant.
Coding change: c.1337T>C on transcript NM_024642.5 (MANE Select); coding-DNA position 1337, T replaced by C.
Protein change: p.Phe446Ser; replaces phenylalanine 446 with serine.
Molecular consequence: missense variant.
Genome position (GRCh38, 1-based): chr9:98,840,126, T>C. VCF-style: chr9-98840126-T-C. GRCh37 (hg19) VCF-style: chr9-101602408-T-C.
Other names: short protein forms F446S.
Identifiers: ClinVar variation 2586471 (VCV002586471.2), dbSNP rs2490542127, ClinGen allele CA374221150.
Genomic context (GRCh38, chr9:98,840,126, plus strand): 5'-AGTGGTTCTTGGAGACTGTGTATCCAGAACTGCATGTGCCTGAGGACAGGCCTGGCTTCT[T>C]CGGGATGGTGAGTGAGGGTGGTGGGCCCACGGCAGGCAGGGACTTCCCTGGCCTCTGGGT-3'
Protein context (NP_078918.3, residues 436-456): LHVPEDRPGF[Phe446Ser]GMLQNKGLTD

ClinVar aggregate classification (germline): Uncertain significance (1 of 4 stars; one submission).

Submission:

Ambry Genetics
Classification: Uncertain significance. Last evaluated: 2023-08-29. Review status: criteria provided, single submitter. Criteria: Ambry Variant Classification Scheme 2023. Collection method: clinical testing. Allele origin: germline.
Comment: The p.F446S variant (also known as c.1337T>C), located in coding exon 7 of the GALNT12 gene, results from a T to C substitution at nucleotide position 1337. The phenylalanine at codon 446 is replaced by serine, an amino acid with highly dissimilar properties. This amino acid position is conserved. In addition, the in silico prediction for this alteration is inconclusive. Since supporting evidence is limited at this time, the clinical significance of this alteration remains unclear.